The following is an entry in ClinVar:

NM_025136.4(OPA3):c.373G>C (p.Glu125Gln)

Genes: OPA3 (outer mitochondrial membrane lipid metabolism regulator OPA3; minus strand), OPA3-RTN2 (OPA3-RTN2 readthrough; minus strand). Cytogenetic location: 19q13.32.
Variant type: single nucleotide variant.
Coding change: c.373G>C on transcript NM_025136.4 (MANE Select); coding-DNA position 373, G replaced by C.
Protein change: p.Glu125Gln; replaces glutamic acid 125 with glutamine.
Molecular consequence: missense variant. On other transcripts: intron variant (1).
Genome position (GRCh38, 1-based): chr19:45,553,681, C>G on the plus strand (G>C on the coding strand, the complement: OPA3 is on the minus strand). VCF-style: chr19-45553681-C-G. GRCh37 (hg19) VCF-style: chr19-46056939-C-G.
Other names: c.143-24225G>C (NM_001017989.3); short protein forms E125Q.
Identifiers: ClinVar variation 2116836 (VCV002116836.1), dbSNP rs1346674058, ClinGen allele CA406370336.

ClinVar aggregate classification (germline): Uncertain significance (1 of 4 stars; one submission).

Conditions:
Optic atrophy 3 (OPA3). Also called: OPTIC ATROPHY 3, AUTOSOMAL DOMINANT; Optic atrophy, cataract, and neurologic disorder; Optic atrophy 3 with cataract. Identifiers: Orphanet 67036, MedGen C1833809, MONDO:0008133, OMIM 165300.
3-Methylglutaconic aciduria type 3 (MGCA3). Also called: OPA3, AUTOSOMAL RECESSIVE; OPTIC ATROPHY 3, AUTOSOMAL RECESSIVE; OPA3-Related 3-Methylglutaconic Aciduria; Costeff Syndrome. Identifiers: Orphanet 67047, MedGen C0574084, MONDO:0009787, OMIM 258501.

Submission:

Labcorp Genetics (formerly Invitae), Labcorp
Classification: Uncertain significance for 3-Methylglutaconic aciduria type 3; Optic atrophy 3. Last evaluated: 2022-07-31. Review status: criteria provided, single submitter. Criteria: Invitae Variant Classification Sherloc (09022015). Collection method: clinical testing. Allele origin: germline.
Comment: This sequence change replaces glutamic acid, which is acidic and polar, with glutamine, which is neutral and polar, at codon 125 of the OPA3 protein (p.Glu125Gln). This variant is not present in population databases (gnomAD no frequency). This variant has not been reported in the literature in individuals affected with OPA3-related conditions. Algorithms developed to predict the effect of missense changes on protein structure and function are either unavailable or do not agree on the potential impact of this missense change (SIFT: "Tolerated"; PolyPhen-2: "Possibly Damaging"; Align-GVGD: "Class C0"). In summary, the available evidence is currently insufficient to determine the role of this variant in disease. Therefore, it has been classified as a Variant of Uncertain Significance.